The following is an entry in ClinVar:

ClinVar aggregate classification (germline): Benign. Review status: criteria provided, multiple submitters, no conflicts (2 of 4 stars). 3 submissions from 3 submitters: Benign (3). Last evaluated 2018-06-23.

Conditions:
Hyperuricemia, pulmonary hypertension, renal failure, alkalosis syndrome (HUPRAS). Also called: HUPRA SYNDROME; HYPERURICEMIA, PULMONARY HYPERTENSION, RENAL FAILURE, AND ALKALOSIS SYNDROME. Identifiers: Orphanet 363694, MedGen C3151209, MONDO:0013458, OMIM 613845.

Allele frequency attached by ClinVar (database versions not stated): gnomAD exomes 0.37161 and 0.43931; ExAC 0.44472; gnomAD 0.46106 and 0.46174; TOPMed 0.47339; 1000 Genomes Project 30x 0.54950; 1000 Genomes Project 0.55072.

Submissions (3):

GeneDx
Classification: Benign. Last evaluated: 2018-06-23. Review status: criteria provided, single submitter. Criteria: GeneDx Variant Classification Process June 2021. Collection method: clinical testing. Allele origin: germline. Affected: yes.

Illumina Laboratory Services, Illumina
Classification: Benign for Hyperuricemia, pulmonary hypertension, renal failure, alkalosis syndrome. Last evaluated: 2018-01-13. Review status: criteria provided, single submitter. Criteria: ICSL Variant Classification Criteria 13 December 2019. Collection method: clinical testing. Allele origin: germline.
Comment: This variant was observed in the ICSL laboratory as part of a predisposition screen in an ostensibly healthy population. It had not been previously curated by ICSL or reported in the Human Gene Mutation Database (HGMD: prior to June 1st, 2018), and was therefore a candidate for classification through an automated scoring system. Utilizing variant allele frequency, disease prevalence and penetrance estimates, and inheritance mode, an automated score was calculated to assess if this variant is too frequent to cause the disease. Based on the score and internal cut-off values, a variant classified as benign is not then subjected to further curation. The score for this variant resulted in a classification of benign for this disease.

Breakthrough Genomics
Classification: Benign. Review status: criteria provided, single submitter. Criteria: ACMG Guidelines, 2015. Collection method: not provided. Allele origin: germline. Inheritance: Autosomal recessive inheritance. Affected: yes.

NM_017827.4(SARS2):c.*79G>C

Gene: SARS2 (seryl-tRNA synthetase 2, mitochondrial; minus strand). Cytogenetic location: 19q13.2.
Variant type: single nucleotide variant.
Coding change: c.*79G>C on transcript NM_017827.4 (MANE Select); 79 bases downstream of the stop codon, G replaced by C.
Molecular consequence: 3 prime UTR variant.
Genome position (GRCh38, 1-based): chr19:38,915,527, C>G on the plus strand (G>C on the coding strand, the complement: SARS2 is on the minus strand). VCF-style: chr19-38915527-C-G. GRCh37 (hg19) VCF-style: chr19-39406167-C-G.
Other names: c.*79G>C (NM_001145901.2).
Identifiers: ClinVar variation 329207 (VCV000329207.8), dbSNP rs9403, ClinGen allele CA9422655.